The following is an entry in ClinVar:

NM_001916.5(CYC1):c.444G>C (p.Leu148=)

Gene: CYC1 (cytochrome c1; plus strand). Cytogenetic location: 8q24.3.
Variant type: single nucleotide variant.
Coding change: c.444G>C on transcript NM_001916.5 (MANE Select); coding-DNA position 444, G replaced by C.
Protein change: p.Leu148=; no amino-acid change (leucine 148 retained).
Molecular consequence: synonymous variant.
Genome position (GRCh38, 1-based): chr8:144,096,241, G>C. VCF-style: chr8-144096241-G-C. GRCh37 (hg19) VCF-style: chr8-145151144-G-C.
Identifiers: ClinVar variation 380168 (VCV000380168.43), dbSNP rs35973351, ClinGen allele CA4933384.

ClinVar aggregate classification (germline): Benign. Review status: criteria provided, multiple submitters, no conflicts (2 of 4 stars). 5 submissions from 5 submitters: Benign (4). 1 of the submissions does not count toward it. Last evaluated 2026-10-01.

Allele frequency attached by ClinVar (database versions not stated): gnomAD 0.00862 and 0.00876; gnomAD exomes 0.00871 and 0.01199; ExAC 0.00899; 1000 Genomes Project 30x 0.00234; 1000 Genomes Project 0.00260; TOPMed 0.00713; ESP Exome Variant Server 0.00846.
gnomAD v4.1: 18,791 of 1,614,024 alleles (1.2%); highest among the groups gnomAD compares: Non-Finnish European, 1.4%; 152 homozygotes.

Submissions (5):

CeGaT Center for Human Genetics Tuebingen
Classification: Benign. Last evaluated: 2026-10-01. Review status: criteria provided, single submitter. Criteria: CeGaT Center For Human Genetics Tuebingen Variant Classification Criteria Version 2. Collection method: clinical testing. Allele origin: germline. Affected: yes. Observed: 24 variant alleles.
Comment: CYC1: BP4, BP7, BS1, BS2

Labcorp Genetics (formerly Invitae), Labcorp
Classification: Benign. Last evaluated: 2026-01-15. Review status: criteria provided, single submitter. Criteria: Invitae Variant Classification Sherloc (09022015). Collection method: clinical testing. Allele origin: germline.

GeneDx
Classification: Benign. Last evaluated: 2016-10-04. Review status: criteria provided, single submitter. Criteria: GeneDx Variant Classification (06012015). Collection method: clinical testing. Allele origin: germline. Affected: yes.
Comment: This variant is considered likely benign or benign based on one or more of the following criteria: it is a conservative change, it occurs at a poorly conserved position in the protein, it is predicted to be benign by multiple in silico algorithms, and/or has population frequency not consistent with disease.

Breakthrough Genomics
Classification: Benign. Review status: criteria provided, single submitter. Criteria: ACMG Guidelines, 2015. Collection method: not provided. Allele origin: germline. Inheritance: Autosomal recessive inheritance. Affected: yes.

Mayo Clinic Laboratories, Mayo Clinic
Classification: Benign. Last evaluated: 2016-02-19. Review status: no assertion criteria provided. Collection method: clinical testing. Allele origin: unknown. Not counted in ClinVar's aggregate classification.